The following is an entry in ClinVar:

ClinVar aggregate classification (germline): Conflicting classifications of pathogenicity. Review status: criteria provided, conflicting classifications (1 of 4 stars). 3 submissions from 3 submitters: Likely pathogenic (1); Uncertain significance (1). 1 of the submissions does not count toward it. Last evaluated 2026-07-01.

Conditions:
Moyamoya angiopathy with developmental delay.

Submissions (3):

CeGaT Center for Human Genetics Tuebingen
Classification: Uncertain significance. Last evaluated: 2026-07-01. Review status: criteria provided, single submitter. Criteria: CeGaT Center For Human Genetics Tuebingen Variant Classification Criteria Version 2. Collection method: clinical testing. Allele origin: germline. Affected: yes. Observed: 1 variant allele.
Comment: SETD5: PM2, PP2, PP3

GeneDx
Classification: Likely pathogenic. Last evaluated: 2015-12-10. Review status: criteria provided, single submitter. Criteria: GeneDx Variant Classification (06012015). Collection method: clinical testing. Allele origin: germline. Affected: yes.
Comment: The D339Y variant in the SETD5 gene has not been reported previously as a pathogenic variant, nor as a benign variant, to our knowledge. The D339Y variant was not observed in approximately 6100 individuals of European and African American ancestry in the NHLBI Exome Sequencing Project, indicating it is not a common benign variant in these populations. The D339Y variant is a non-conservative amino acid substitution, which is likely to impact secondary protein structure as these residues differ in polarity, charge, size and/or other properties. This substitution occurs at a position that is conserved across species. In silico analysis predicts this variant is probably damaging to the protein structure/function. The D339Y variant is a strong candidate for a pathogenic variant however, the possibility it may be a rare benign variant cannot be excluded

University of Washington Center for Mendelian Genomics, University of Washington
Classification: Likely pathogenic for Moyamoya angiopathy with developmental delay. Review status: no assertion criteria provided. Collection method: research. Allele origin: unknown. Affected: yes. Not counted in ClinVar's aggregate classification.

Literature cited by the submitters: PubMed 31474762 (cited by University of Washington Center for Mendelian Genomics, University of Washington).

NM_001080517.3(SETD5):c.1015G>T (p.Asp339Tyr)

Gene: SETD5 (SET domain containing 5; plus strand). Cytogenetic location: 3p25.3.
Variant type: single nucleotide variant.
Coding change: c.1015G>T on transcript NM_001080517.3 (MANE Select); coding-DNA position 1015, G replaced by T.
Protein change: p.Asp339Tyr; replaces aspartic acid 339 with tyrosine.
Molecular consequence: missense variant.
Genome position (GRCh38, 1-based): chr3:9,442,183, G>T. VCF-style: chr3-9442183-G-T. GRCh37 (hg19) VCF-style: chr3-9483867-G-T.
Other names: c.721G>T, p.Asp241Tyr (NM_001292043.2, NM_001349451.2); short protein forms D339Y, D241Y.
Identifiers: ClinVar variation 432024 (VCV000432024.4), dbSNP rs1553621754, ClinGen allele CA351689411.